The following is an entry in ClinVar:

NM_139076.3(ABRAXAS1):c.349C>A (p.Leu117Ile)

Gene: ABRAXAS1 (abraxas 1, BRCA1 A complex subunit; minus strand). Cytogenetic location: 4q21.23.
Variant type: single nucleotide variant.
Coding change: c.349C>A on transcript NM_139076.3 (MANE Select); coding-DNA position 349, C replaced by A.
Protein change: p.Leu117Ile; replaces leucine 117 with isoleucine.
Molecular consequence: missense variant.
Genome position (GRCh38, 1-based): chr4:83,470,330, G>T on the plus strand (C>A on the coding strand, the complement: ABRAXAS1 is on the minus strand). VCF-style: chr4-83470330-G-T. GRCh37 (hg19) VCF-style: chr4-84391483-G-T.
Other names: c.22C>A, p.Leu8Ile (NM_001345962.2); c.349C>A (NM_139076.2); short protein forms L117I, L8I.
Identifiers: ClinVar variation 1010461 (VCV001010461.11), dbSNP rs765150557, ClinGen allele CA2990568.
Genomic context (GRCh38, chr4:83,470,330, plus strand): 5'-GTGTTAATAGCAGAAAAACAAGGTCTTGGTTTGAAAAATGCTCCTGCAAGTTTTTGTGAA[G>T]CAGCCTCTCTCTAAACGTCATGATCTGATCTGAATGACGACGGAATTTGTACCAACCTAC-3'
Protein context (NP_620775.2, residues 107-127): DQIMTFRERL[Leu117Ile]HKNLQEHFSN

ClinVar aggregate classification (germline): Uncertain significance. Review status: criteria provided, multiple submitters, no conflicts (2 of 4 stars). 2 submissions from 2 submitters: Uncertain significance (2). Last evaluated 2025-08-05.

Submissions (2):

Ambry Genetics
Classification: Uncertain significance. Last evaluated: 2025-08-05. Review status: criteria provided, single submitter. Criteria: Ambry Variant Classification Scheme 2023. Collection method: clinical testing. Allele origin: germline.
Comment: The p.L117I variant (also known as c.349C>A), located in coding exon 5 of the FAM175A gene, results from a C to A substitution at nucleotide position 349. The leucine at codon 117 is replaced by isoleucine, an amino acid with highly similar properties. This amino acid position is conserved. In addition, this alteration is predicted to be tolerated by in silico analysis. Since supporting evidence is limited at this time, the clinical significance of this alteration remains unclear.

Labcorp Genetics (formerly Invitae), Labcorp
Classification: Uncertain significance. Last evaluated: 2020-10-21. Review status: criteria provided, single submitter. Criteria: Invitae Variant Classification Sherloc (09022015). Collection method: clinical testing. Allele origin: germline.
Comment: In summary, the available evidence is currently insufficient to determine the role of this variant in disease. Therefore, it has been classified as a Variant of Uncertain Significance. Algorithms developed to predict the effect of missense changes on protein structure and function are either unavailable or do not agree on the potential impact of this missense change (SIFT: "Tolerated"; PolyPhen-2: "Possibly Damaging"; Align-GVGD: "Class C0"). This variant has not been reported in the literature in individuals with ABRAXAS1-related conditions. The frequency data for this variant in the population databases is considered unreliable, as metrics indicate poor data quality at this position in the ExAC database. This sequence change replaces leucine with isoleucine at codon 117 of the ABRAXAS1 protein (p.Leu117Ile). The leucine residue is highly conserved and there is a small physicochemical difference between leucine and isoleucine.